The following is an entry in ClinVar:

NM_021958.4(HLX):c.772+5G>A

Gene: HLX (H2.0 like homeobox; plus strand). Cytogenetic location: 1q41.
Variant type: single nucleotide variant.
Coding change: c.772+5G>A on transcript NM_021958.4 (MANE Select); 5 bases into the intron after coding-DNA position 772, G replaced by A.
Molecular consequence: intron variant.
Genome position (GRCh38, 1-based): chr1:220,881,378, G>A. VCF-style: chr1-220881378-G-A. GRCh37 (hg19) VCF-style: chr1-221054720-G-A.
Identifiers: ClinVar variation 4986142 (VCV004986142.1).

ClinVar aggregate classification (germline): Likely benign (1 of 4 stars; one submission).

Conditions:
HLX-related disorder. Also called: HLX-related condition.

gnomAD v4.1: 42 of 1,612,432 alleles (0.0026%); highest among the groups gnomAD compares: Middle Eastern, 0.049%; no homozygotes.

Submission:

PreventionGenetics, part of Exact Sciences
Classification: Likely benign for HLX-related condition. Last evaluated: 2025-12-12. Review status: criteria provided, single submitter. Criteria: ACMG Guidelines, 2015. Collection method: clinical testing. Allele origin: germline.
Comment: This variant is classified as likely benign based on ACMG/AMP sequence variant interpretation guidelines (Richards et al. 2015 PMID: 25741868, with internal and published modifications).